The following is an entry in ClinVar:

ClinVar aggregate classification (germline): Conflicting classifications of pathogenicity. Review status: criteria provided, conflicting classifications (1 of 4 stars). 4 submissions from 4 submitters: Uncertain significance (2); Likely benign (2). Last evaluated 2024-11-12.

Conditions:
Iminoglycinuria. Identifiers: Orphanet 42062, MedGen C0268654, MONDO:0009448, OMIM 242600.
Hyperglycinuria. Also called: GLYCINURIA WITH OR WITHOUT OXALATE NEPHROLITHIASIS; GLYCINURIA WITH OR WITHOUT OXALATE UROLITHIASIS; IMINOGLYCINURIA TYPE II. Identifiers: MedGen C0543541, MONDO:0007677, OMIM 138500, HP:0003108.

Allele frequency attached by ClinVar (database versions not stated): gnomAD 0.00006 and 0.00009; TOPMed 0.00007; ESP Exome Variant Server 0.00008; gnomAD exomes 0.00008 and 0.00009; ExAC 0.00011; 1000 Genomes Project 30x 0.00031; 1000 Genomes Project 0.00040.
gnomAD v4.1: 152 of 1,613,516 alleles (0.0094%); highest among the groups gnomAD compares: Middle Eastern, 0.23%; 1 homozygote.

Submissions (4):

Blueprint Genetics
Classification: Likely benign. Last evaluated: 2024-11-12. Review status: criteria provided, single submitter. Criteria: ACMG Guidelines, 2015. Collection method: clinical testing. Allele origin: germline.

CeGaT Center for Human Genetics Tuebingen
Classification: Likely benign. Last evaluated: 2022-10-01. Review status: criteria provided, single submitter. Criteria: CeGaT Center For Human Genetics Tuebingen Variant Classification Criteria Version 2. Collection method: clinical testing. Allele origin: germline. Affected: yes. Observed: 1 variant allele.
Comment: SLC6A20: BP4, BP7

Fulgent Genetics
Classification: Uncertain significance for Hyperglycinuria; Iminoglycinuria. Last evaluated: 2022-03-24. Review status: criteria provided, single submitter. Criteria: ACMG Guidelines, 2015. Collection method: clinical testing. Allele origin: unknown.

Illumina Laboratory Services, Illumina
Classification: Uncertain significance for Hyperglycinuria. Last evaluated: 2018-01-13. Review status: criteria provided, single submitter. Criteria: ICSL Variant Classification Criteria 13 December 2019. Collection method: clinical testing. Allele origin: germline.

NM_020208.4(SLC6A20):c.678C>T (p.Tyr226=)

Gene: SLC6A20 (solute carrier family 6 member 20; minus strand). Cytogenetic location: 3p21.31.
Variant type: single nucleotide variant.
Coding change: c.678C>T on transcript NM_020208.4 (MANE Select); coding-DNA position 678, C replaced by T.
Protein change: p.Tyr226=; no amino-acid change (tyrosine 226 retained).
Molecular consequence: synonymous variant. On other transcripts: intron variant (1).
Genome position (GRCh38, 1-based): chr3:45,772,520, G>A on the plus strand (C>T on the coding strand, the complement: SLC6A20 is on the minus strand). VCF-style: chr3-45772520-G-A. GRCh37 (hg19) VCF-style: chr3-45814012-G-A.
Other names: c.583-1062C>T (NM_022405.4).
Identifiers: ClinVar variation 900867 (VCV000900867.30), dbSNP rs149505473, ClinGen allele CA2351531.